The following is an entry in ClinVar:

ClinVar aggregate classification (germline): Uncertain significance (1 of 4 stars; one submission).

Submission:

Labcorp Genetics (formerly Invitae), Labcorp
Classification: Uncertain significance. Last evaluated: 2022-12-04. Review status: criteria provided, single submitter. Criteria: Invitae Variant Classification Sherloc (09022015). Collection method: clinical testing. Allele origin: germline.
Comment: This variant is not present in population databases (gnomAD no frequency). In summary, the available evidence is currently insufficient to determine the role of this variant in disease. Therefore, it has been classified as a Variant of Uncertain Significance. Experimental studies and prediction algorithms are not available or were not evaluated, and the functional significance of this variant is currently unknown. This variant has not been reported in the literature in individuals affected with KMT2E-related conditions. This variant, c.2044_2046del, results in the deletion of 1 amino acid(s) of the KMT2E protein (p.Pro682del), but otherwise preserves the integrity of the reading frame.

NM_182931.3(KMT2E):c.2044_2046del (p.Pro682del)

Gene: KMT2E (lysine methyltransferase 2E (inactive); plus strand). Cytogenetic location: 7q22.3.
Variant type: Deletion.
Coding change: c.2044_2046del on transcript NM_182931.3 (MANE Select); coding-DNA positions 2044 to 2046, 3 bases deleted (CCT; older notation c.2044_2046delCCT).
Protein change: p.Pro682del; deletes proline 682.
Molecular consequence: inframe deletion.
Genome position (GRCh38, 1-based): chr7:105,102,042-105,102,044, CCT deleted; deleting any 3 consecutive bases within chr7:105,102,040-105,102,044 gives the same sequence; the c. name uses the placement nearest the transcript's 3' end. VCF-style (leftmost placement, unchanged base first): chr7-105102039-TCTC-T. GRCh37 (hg19) VCF-style: chr7-104742486-TCTC-T.
Other names: c.2044_2046del, p.Pro682del (NM_001410908.1, NM_018682.4); short protein forms P682del.
Identifiers: ClinVar variation 2874812 (VCV002874812.3), dbSNP rs2536493192, ClinGen allele CA2739277810.